The following is an entry in ClinVar:

ClinVar aggregate classification (germline): conflicting data from submitters (0 of 4 stars; one submission).

Submission:

ISCA site 1
Classification: conflicting data from submitters. Last evaluated: 2016-02-29. Review status: no assertion criteria provided. Collection method: clinical testing. Allele origin: maternal, unknown. Affected: yes. Observed: 3 variant alleles. Clinical features observed: Autism (HP:0000717), Global developmental delay (HP:0001263), Abnormal facial shape (HP:0002260), Abnormality of the ear (HP:0000598), Abnormality of finger (HP:0001167), Behavioral abnormality (HP:0000708), Autistic behavior (HP:0000729).
Comment: Uncertain significance(2), Likely benign (1)

Copy number variation identified through the course of routine clinical cytogenomic testing in postnatal populations, with clinical assertions as classified by the original submitter. For data from the original published study, Kaminsky, et al. 2011 (PubMed 21844811), please see nstd101.

GRCh37/hg19 16p12.2(chr16:21801889-22431357)x3

Genes: CDR2 (cerebellar degeneration related protein 2), EEF2K (eukaryotic elongation factor 2 kinase), MOSMO (modulator of smoothened), NPIPB4 (nuclear pore complex interacting protein family member B4), PDZD9 (PDZ domain containing 9) and 4 more. Cytogenetic location: 16p12.2.
Variant type: copy number gain.
Change: copy number 3 (three copies instead of two) of chr16:21,801,889-22,431,357 (629.5 kb, GRCh37 coordinates, 1-based), cytogenetic band 16p12.2.
Identifiers: ClinVar variation 443991 (VCV000443991.2).